The following is an entry in ClinVar:

NM_021101.5(CLDN1):c.15G>T (p.Gly5=)

Genes: CLDN1 (claudin 1; minus strand), CLDN16 (claudin 16; plus strand). Cytogenetic location: 3q28.
Variant type: single nucleotide variant.
Coding change: c.15G>T on transcript NM_021101.5 (MANE Select); coding-DNA position 15, G replaced by T.
Protein change: p.Gly5=; no amino-acid change (glycine 5 retained).
Molecular consequence: synonymous variant. On other transcripts: intron variant (2).
Genome position (GRCh38, 1-based): chr3:190,322,192, C>A on the plus strand (G>T on the coding strand, the complement: CLDN1 is on the minus strand). VCF-style: chr3-190322192-C-A. GRCh37 (hg19) VCF-style: chr3-190039981-C-A.
Other names: c.-279+7133C>A (NM_001378492.1); c.-279+31601C>A (NM_001378493.1).
Identifiers: ClinVar variation 4996723 (VCV004996723.1).

ClinVar aggregate classification (germline): Likely benign (1 of 4 stars; one submission).

Conditions:
CLDN1-related disorder. Also called: CLDN1-related condition.

gnomAD v4.1: 1 of 1,613,874 alleles (0.000062%); highest among the groups gnomAD compares: Admixed American, 0.0017%; no homozygotes.

Submission:

PreventionGenetics, part of Exact Sciences
Classification: Likely benign for CLDN1-related condition. Last evaluated: 2025-05-23. Review status: criteria provided, single submitter. Criteria: ACMG Guidelines, 2015. Collection method: clinical testing. Allele origin: germline.
Comment: This variant is classified as likely benign based on ACMG/AMP sequence variant interpretation guidelines (Richards et al. 2015 PMID: 25741868, with internal and published modifications).